The following is an entry in ClinVar:

NM_139057.4(ADAMTS17):c.1612A>G (p.Ile538Val)

Gene: ADAMTS17 (ADAM metallopeptidase with thrombospondin type 1 motif 17; minus strand). Cytogenetic location: 15q26.3.
Variant type: single nucleotide variant.
Coding change: c.1612A>G on transcript NM_139057.4 (MANE Select); coding-DNA position 1612, A replaced by G.
Protein change: p.Ile538Val; replaces isoleucine 538 with valine.
Molecular consequence: missense variant.
Genome position (GRCh38, 1-based): chr15:100,132,116, T>C on the plus strand (A>G on the coding strand, the complement: ADAMTS17 is on the minus strand). VCF-style: chr15-100132116-T-C. GRCh37 (hg19) VCF-style: chr15-100672321-T-C.
Other names: short protein forms I538V.
Identifiers: ClinVar variation 1998600 (VCV001998600.4), dbSNP rs746134253, ClinGen allele CA7758151.

ClinVar aggregate classification (germline): Uncertain significance (1 of 4 stars; one submission).

Allele frequency attached by ClinVar (database versions not stated): TOPMed below 0.00001; ExAC 0.00001; gnomAD exomes 0.00001.
gnomAD v4.1: 4 of 1,614,088 alleles (0.00025%); highest among the groups gnomAD compares: Non-Finnish European, 0.00034%; no homozygotes.

Submission:

Labcorp Genetics (formerly Invitae), Labcorp
Classification: Uncertain significance. Last evaluated: 2022-05-25. Review status: criteria provided, single submitter. Criteria: Invitae Variant Classification Sherloc (09022015). Collection method: clinical testing. Allele origin: germline.
Comment: In summary, the available evidence is currently insufficient to determine the role of this variant in disease. Therefore, it has been classified as a Variant of Uncertain Significance. Algorithms developed to predict the effect of missense changes on protein structure and function are either unavailable or do not agree on the potential impact of this missense change (SIFT: "Not Available"; PolyPhen-2: "Benign"; Align-GVGD: "Not Available"). This variant has not been reported in the literature in individuals affected with ADAMTS17-related conditions. This variant is present in population databases (rs746134253, gnomAD 0.0009%). This sequence change replaces isoleucine, which is neutral and non-polar, with valine, which is neutral and non-polar, at codon 538 of the ADAMTS17 protein (p.Ile538Val).